The following is an entry in ClinVar:

ClinVar aggregate classification (germline): Uncertain significance (1 of 4 stars; one submission).

Conditions:
Hereditary cancer-predisposing syndrome. Also called: Neoplastic Syndromes, Hereditary; Tumor predisposition; Hereditary neoplastic syndrome; Hereditary Cancer Syndrome. Identifiers: Orphanet 140162, MedGen C0027672, MeSH D009386, MONDO:0015356.

Submission:

Ambry Genetics
Classification: Uncertain significance for Hereditary cancer-predisposing syndrome. Last evaluated: 2024-05-30. Review status: criteria provided, single submitter. Criteria: Ambry Variant Classification Scheme 2023. Collection method: clinical testing. Allele origin: germline.
Comment: The p.M251T variant (also known as c.752T>C), located in coding exon 6 of the POT1 gene, results from a T to C substitution at nucleotide position 752. The methionine at codon 251 is replaced by threonine, an amino acid with similar properties. This amino acid position is conserved. In addition, this alteration is predicted to be tolerated by in silico analysis. Based on the available evidence, the clinical significance of this variant remains unclear.

NM_015450.3(POT1):c.752T>C (p.Met251Thr)

Gene: POT1 (protection of telomeres 1; minus strand). Cytogenetic location: 7q31.33.
Variant type: single nucleotide variant.
Coding change: c.752T>C on transcript NM_015450.3 (MANE Select); coding-DNA position 752, T replaced by C.
Protein change: p.Met251Thr; replaces methionine 251 with threonine.
Molecular consequence: missense variant. On other transcripts: non-coding transcript variant (3).
Genome position (GRCh38, 1-based): chr7:124,853,089, A>G on the plus strand (T>C on the coding strand, the complement: POT1 is on the minus strand). VCF-style: chr7-124853089-A-G. GRCh37 (hg19) VCF-style: chr7-124493143-A-G.
Other names: c.359T>C, p.Met120Thr (NM_001042594.2); short protein forms M120T, M251T.
Identifiers: ClinVar variation 3308975 (VCV003308975.1).